The following is an entry in ClinVar:

NM_004656.4(BAP1):c.477T>C (p.Leu159=)

Gene: BAP1 (BRCA1 associated deubiquitinase 1; minus strand). Cytogenetic location: 3p21.1.
Variant type: single nucleotide variant.
Coding change: c.477T>C on transcript NM_004656.4 (MANE Select); coding-DNA position 477, T replaced by C.
Protein change: p.Leu159=; no amino-acid change (leucine 159 retained).
Molecular consequence: synonymous variant.
Genome position (GRCh38, 1-based): chr3:52,407,277, A>G on the plus strand (T>C on the coding strand, the complement: BAP1 is on the minus strand). VCF-style: chr3-52407277-A-G. GRCh37 (hg19) VCF-style: chr3-52441293-A-G.
Other names: c.477T>C (LRG_529t1).
Identifiers: ClinVar variation 485253 (VCV000485253.16), dbSNP rs1417121937, ClinGen allele CA433777251.

ClinVar aggregate classification (germline): Benign/Likely benign. Review status: criteria provided, multiple submitters, no conflicts (2 of 4 stars). 4 submissions from 4 submitters: Benign (1); Likely benign (2). 1 of the submissions does not count toward it. Last evaluated 2025-10-15.

Conditions:
Hereditary cancer-predisposing syndrome. Also called: Neoplastic Syndromes, Hereditary; Tumor predisposition; Hereditary Cancer Syndrome; Hereditary neoplastic syndrome. Identifiers: Orphanet 140162, MedGen C0027672, MeSH D009386, MONDO:0015356.
BAP1-related tumor predisposition syndrome (TPDS1). Also called: Tumor susceptibility linked to germline BAP1 mutations; BAP1 tumor predisposition syndrome; COMMON Syndrome; TUMOR PREDISPOSITION SYNDROME 1. Identifiers: Orphanet 289539, MedGen C3280492, MONDO:0013692, OMIM 614327.
BAP1-related disorder. Also called: BAP1-related condition.

Allele frequency attached by ClinVar (database versions not stated): gnomAD exomes below 0.00001; gnomAD 0.00001; TOPMed 0.00001.
gnomAD v4.1: 2 of 1,614,034 alleles (0.00012%); highest among the groups gnomAD compares: Non-Finnish European, 0.00017%; no homozygotes.

Submissions (4):

Labcorp Genetics (formerly Invitae), Labcorp
Classification: Likely benign for BAP1-related tumor predisposition syndrome. Last evaluated: 2025-10-15. Review status: criteria provided, single submitter. Criteria: Invitae Variant Classification Sherloc (09022015). Collection method: clinical testing. Allele origin: germline.

Myriad Genetics, Inc.
Classification: Benign for BAP1-related tumor predisposition syndrome. Last evaluated: 2024-07-12. Review status: criteria provided, single submitter. Criteria: Myriad Autosomal Dominant, Autosomal Recessive and X-Linked Classification Criteria (2023). Collection method: clinical testing. Allele origin: unknown.
Comment: This variant is considered benign. This variant is a silent/synonymous amino acid change and it is not expected to impact splicing.

Ambry Genetics
Classification: Likely benign for Hereditary cancer-predisposing syndrome. Last evaluated: 2016-08-09. Review status: criteria provided, single submitter. Criteria: Ambry Variant Classification Scheme 2023. Collection method: clinical testing. Allele origin: germline.

PreventionGenetics, part of Exact Sciences
Classification: Likely benign for BAP1-related condition. Last evaluated: 2024-07-18. Review status: no assertion criteria provided. Collection method: clinical testing. Allele origin: germline. Not counted in ClinVar's aggregate classification.
Comment: This variant is classified as likely benign based on ACMG/AMP sequence variant interpretation guidelines (Richards et al. 2015 PMID: 25741868, with internal and published modifications).